The following is an entry in ClinVar:

ClinVar aggregate classification (germline): Conflicting classifications of pathogenicity. Review status: criteria provided, conflicting classifications (1 of 4 stars). 3 submissions from 3 submitters: Uncertain significance (1); Likely benign (1). 1 of the submissions does not count toward it. Last evaluated 2025-09-24.

Conditions:
TNXB-related disorder. Also called: TNXB-related condition.
Cardiovascular phenotype. Identifiers: MedGen CN230736.

Allele frequency attached by ClinVar (database versions not stated): ExAC 0.00011; gnomAD 0.00001; TOPMed 0.00003.
gnomAD v4.1: 77 of 1,612,582 alleles (0.0048%); highest among the groups gnomAD compares: Non-Finnish European, 0.0061%; no homozygotes.

Submissions (3):

Ambry Genetics
Classification: Likely benign for Cardiovascular phenotype. Last evaluated: 2025-09-24. Review status: criteria provided, single submitter. Criteria: Ambry Variant Classification Scheme 2023. Collection method: clinical testing. Allele origin: germline.

GeneDx
Classification: Uncertain significance. Last evaluated: 2025-06-25. Review status: criteria provided, single submitter. Criteria: GeneDx Variant Classification Process June 2021. Collection method: clinical testing. Allele origin: germline.
Comment: Has not been previously published as pathogenic or benign to our knowledge; In silico analysis supports that this missense variant has a deleterious effect on protein structure/function

PreventionGenetics, part of Exact Sciences
Classification: Uncertain significance for TNXB-related condition. Last evaluated: 2024-07-30. Review status: no assertion criteria provided. Collection method: clinical testing. Allele origin: germline. Not counted in ClinVar's aggregate classification.
Comment: The TNXB c.5653G>A variant is predicted to result in the amino acid substitution p.Gly1885Arg. To our knowledge, this variant has not been reported in the literature. This variant is reported in 0.014% of alleles in individuals of European (Non-Finnish) descent in gnomAD. At this time, the clinical significance of this variant is uncertain due to the absence of conclusive functional and genetic evidence.

NM_001365276.2(TNXB):c.5653G>A (p.Gly1885Arg)

Gene: TNXB (tenascin XB; minus strand). Cytogenetic location: 6p21.33.
Variant type: single nucleotide variant.
Coding change: c.5653G>A on transcript NM_001365276.2 (MANE Select); coding-DNA position 5653, G replaced by A.
Protein change: p.Gly1885Arg; replaces glycine 1885 with arginine.
Molecular consequence: missense variant.
Genome position (GRCh38, 1-based): chr6:32,069,071, C>T on the plus strand (G>A on the coding strand, the complement: TNXB is on the minus strand). VCF-style: chr6-32069071-C-T. GRCh37 (hg19) VCF-style: chr6-32036848-C-T.
Other names: c.5653G>A, p.Gly1885Arg (NM_019105.8); short protein forms G1885R.
Identifiers: ClinVar variation 1712703 (VCV001712703.8), dbSNP rs774865768, ClinGen allele CA3734635.
Genomic context (GRCh38, chr6:32,069,071, plus strand): 5'-CAGTCACCATCCAGGAGAGATGCAGGGTGTGTGACGTGGCCTCCTCCACTGTCAACTCCC[C>T]GAGGTGGGGCTCAGGCGCTGGAGGGGTCGGGGCCGTGGTCTCAGTTTCCGTTTCTTCCCT-3'
Protein context (NP_001352205.1, residues 1875-1895): PTPPAPEPHL[Gly1885Arg]ELTVEEATSH